The following is an entry in ClinVar:

NM_001151.4(SLC25A4):c.740-293A>G

Gene: SLC25A4 (solute carrier family 25 member 4; plus strand). Cytogenetic location: 4q35.1.
Variant type: single nucleotide variant.
Coding change: c.740-293A>G on transcript NM_001151.4 (MANE Select); 293 bases into the intron before coding-DNA position 740, A replaced by G.
Molecular consequence: intron variant.
Genome position (GRCh38, 1-based): chr4:185,146,521, A>G. VCF-style: chr4-185146521-A-G. GRCh37 (hg19) VCF-style: chr4-186067675-A-G.
Identifiers: ClinVar variation 673779 (VCV000673779.1), dbSNP rs60894332, ClinGen allele CA112007575.
Genomic context (GRCh38, chr4:185,146,521, plus strand): 5'-TCATCTGAGGCTCGGCCTCAGTTCGGTCCTCCATAAAAAAAGGTAACCGCGTAGCATAAT[A>G]CTCCTGCTCCACTGCGCCCTTCTTGTTTCGCAGTTGGGCAGTCCATGAATTACTTGGTTA-3'

ClinVar aggregate classification (germline): Benign (1 of 4 stars; one submission).

Allele frequency attached by ClinVar (database versions not stated): 1000 Genomes Project 0.04213; 1000 Genomes Project 30x 0.04560; gnomAD 0.05454 and 0.05629; TOPMed 0.05716.
gnomAD v4.1: 8,272 of 152,084 alleles (5.4%); highest among the groups gnomAD compares: Middle Eastern, 12%; 268 homozygotes.

Submission:

GeneDx
Classification: Benign. Last evaluated: 2018-06-16. Review status: criteria provided, single submitter. Criteria: GeneDx Variant Classification (06012015). Collection method: clinical testing. Allele origin: germline. Affected: yes.
Comment: This variant is considered likely benign or benign based on one or more of the following criteria: it is a conservative change, it occurs at a poorly conserved position in the protein, it is predicted to be benign by multiple in silico algorithms, and/or has population frequency not consistent with disease.